The following is an entry in ClinVar:

ClinVar aggregate classification (germline): Uncertain significance. Review status: criteria provided, multiple submitters, no conflicts (2 of 4 stars). 2 submissions from 2 submitters: Uncertain significance (2). Last evaluated 2025-06-09.

Allele frequency attached by ClinVar (database versions not stated): gnomAD exomes below 0.00001.
gnomAD v4.1: 1 of 1,211,874 alleles (0.000083%); highest among the groups gnomAD compares: African/African-American, 0.0017%; no homozygotes.

Submissions (2):

Labcorp Genetics (formerly Invitae), Labcorp
Classification: Uncertain significance. Last evaluated: 2025-06-09. Review status: criteria provided, single submitter. Criteria: Invitae Variant Classification Sherloc (09022015). Collection method: clinical testing. Allele origin: germline.
Comment: This sequence change replaces threonine, which is neutral and polar, with alanine, which is neutral and non-polar, at codon 894 of the NEXMIF protein (p.Thr894Ala). This variant is not present in population databases (gnomAD no frequency). This variant has not been reported in the literature in individuals affected with NEXMIF-related conditions. ClinVar contains an entry for this variant (Variation ID: 1372164). An algorithm developed to predict the effect of missense changes on protein structure and function outputs the following: PolyPhen-2: "Benign". The alanine amino acid residue is found in multiple mammalian species, which suggests that this missense change does not adversely affect protein function. In summary, the available evidence is currently insufficient to determine the role of this variant in disease. Therefore, it has been classified as a Variant of Uncertain Significance.

GeneDx
Classification: Uncertain significance. Last evaluated: 2024-02-06. Review status: criteria provided, single submitter. Criteria: GeneDx Variant Classification Process June 2021. Collection method: clinical testing. Allele origin: germline. Affected: yes.
Comment: Not observed at significant frequency in large population cohorts (gnomAD); In silico analysis supports that this missense variant does not alter protein structure/function; Has not been previously published as pathogenic or benign to our knowledge

NM_001008537.3(NEXMIF):c.2680A>G (p.Thr894Ala)

Gene: NEXMIF (neurite extension and migration factor; minus strand). Cytogenetic location: Xq13.3.
Variant type: single nucleotide variant.
Coding change: c.2680A>G on transcript NM_001008537.3 (MANE Select); coding-DNA position 2680, A replaced by G.
Protein change: p.Thr894Ala; replaces threonine 894 with alanine.
Molecular consequence: missense variant.
Genome position (GRCh38, 1-based): chrX:74,741,877, T>C on the plus strand (A>G on the coding strand, the complement: NEXMIF is on the minus strand). VCF-style: chrX-74741877-T-C. GRCh37 (hg19) VCF-style: chrX-73961712-T-C.
Other names: c.2680A>G (NM_001008537.1); short protein forms T894A.
Identifiers: ClinVar variation 1372164 (VCV001372164.7), dbSNP rs2147440033, ClinGen allele CA413667674.
Genomic context (GRCh38, chrX:74,741,877, plus strand): 5'-TGGATTGGGTTGGGGCTATCTCCCTTGAGACTTCAGCCATGAATTCCTGGGTGCCAGAAG[T>C]AGCCTTGTTGGGCCACACATTTCTATAGTTGCTTGATTCCATTTTGAAGTTATGAGATGA-3'
Protein context (NP_001008537.1, residues 884-904): NYRNVWPNKA[Thr894Ala]SGTQEFMAEV